The following is an entry in ClinVar:

NM_001099274.3(TINF2):c.1130-4A>T

Gene: TINF2 (TERF1 interacting nuclear factor 2; minus strand). Cytogenetic location: 14q12.
Variant type: single nucleotide variant.
Coding change: c.1130-4A>T on transcript NM_001099274.3 (MANE Select); 4 bases into the intron before coding-DNA position 1130, A replaced by T.
Molecular consequence: intron variant. On other transcripts: 3 prime UTR variant (1).
Genome position (GRCh38, 1-based): chr14:24,240,159, T>A on the plus strand (A>T on the coding strand, the complement: TINF2 is on the minus strand). VCF-style: chr14-24240159-T-A. GRCh37 (hg19) VCF-style: chr14-24709365-T-A.
Other names: c.*256A>T (NM_012461.3); c.1025-4A>T (NM_001363668.2).
Identifiers: ClinVar variation 2105531 (VCV002105531.4), dbSNP rs2502451209, ClinGen allele CA2580087950.

ClinVar aggregate classification (germline): Uncertain significance (1 of 4 stars; one submission).

Conditions:
Dyskeratosis congenita. Identifiers: Orphanet 1775, MedGen C0265965, MONDO:0015780.

Submission:

Labcorp Genetics (formerly Invitae), Labcorp
Classification: Uncertain significance for Dyskeratosis congenita. Last evaluated: 2022-03-01. Review status: criteria provided, single submitter. Criteria: Invitae Variant Classification Sherloc (09022015). Collection method: clinical testing. Allele origin: germline.
Comment: In summary, the available evidence is currently insufficient to determine the role of this variant in disease. Therefore, it has been classified as a Variant of Uncertain Significance. Algorithms developed to predict the effect of sequence changes on RNA splicing suggest that this variant may disrupt the consensus splice site. This variant has not been reported in the literature in individuals affected with TINF2-related conditions. This variant is not present in population databases (gnomAD no frequency). This sequence change falls in intron 7 of the TINF2 gene. It does not directly change the encoded amino acid sequence of the TINF2 protein.